The following is an entry in ClinVar:

NM_006648.4(WNK2):c.1921G>A (p.Ala641Thr)

Gene: WNK2 (WNK lysine deficient protein kinase 2; plus strand). Cytogenetic location: 9q22.31.
Variant type: single nucleotide variant.
Coding change: c.1921G>A on transcript NM_006648.4 (MANE Select); coding-DNA position 1921, G replaced by A.
Protein change: p.Ala641Thr; replaces alanine 641 with threonine.
Molecular consequence: missense variant.
Genome position (GRCh38, 1-based): chr9:93,252,969, G>A. VCF-style: chr9-93252969-G-A. GRCh37 (hg19) VCF-style: chr9-96015251-G-A.
Other names: c.1921G>A, p.Ala641Thr (NM_001282394.3); short protein forms A641T.
Identifiers: ClinVar variation 5031971 (VCV005031971.1).

ClinVar aggregate classification (germline): Uncertain significance (1 of 4 stars; one submission).

Submission:

Ambry Genetics
Classification: Uncertain significance. Last evaluated: 2026-09-06. Review status: criteria provided, single submitter. Criteria: Ambry Variant Classification Scheme 2023. Collection method: clinical testing. Allele origin: germline.
Comment: The p.A641T variant (also known as c.1921G>A), located in coding exon 8 of the WNK2 gene, results from a G to A substitution at nucleotide position 1921. The alanine at codon 641 is replaced by threonine, an amino acid with similar properties. This amino acid position is conserved. In addition, this alteration is predicted to be tolerated by in silico analysis. Based on the available evidence, the clinical significance of this variant remains unclear.